The following is an entry in ClinVar:

NM_182643.3(DLC1):c.1348+54C>T

Gene: DLC1 (DLC1 Rho GTPase activating protein; minus strand). Cytogenetic location: 8p22.
Variant type: single nucleotide variant.
Coding change: c.1348+54C>T on transcript NM_182643.3 (MANE Select); 54 bases into the intron after coding-DNA position 1348, C replaced by T.
Molecular consequence: intron variant. On other transcripts: 3 prime UTR variant (1).
Genome position (GRCh38, 1-based): chr8:13,305,215, G>A on the plus strand (C>T on the coding strand, the complement: DLC1 is on the minus strand). VCF-style: chr8-13305215-G-A. GRCh37 (hg19) VCF-style: chr8-13162724-G-A.
Other names: c.*10C>T (NM_024767.5); c.-104+54C>T (NM_001348082.2); c.1348+54C>T (NM_001348081.2, NM_001413124.1, NM_001413125.1).
Identifiers: ClinVar variation 4985528 (VCV004985528.1).

ClinVar aggregate classification (germline): Benign (1 of 4 stars; one submission).

Conditions:
DLC1-related disorder. Also called: DLC1-related condition.

gnomAD v4.1: 1,162 of 1,593,610 alleles (0.073%); highest among the groups gnomAD compares: South Asian, 1.3%; 17 homozygotes.

Submission:

PreventionGenetics, part of Exact Sciences
Classification: Benign for DLC1-related condition. Last evaluated: 2024-12-20. Review status: criteria provided, single submitter. Criteria: ACMG Guidelines, 2015. Collection method: clinical testing. Allele origin: germline.
Comment: This variant is classified as benign based on ACMG/AMP sequence variant interpretation guidelines (Richards et al. 2015 PMID: 25741868, with internal and published modifications).